The following is an entry in ClinVar:

ClinVar aggregate classification (germline): Uncertain significance (1 of 4 stars; one submission).

Conditions:
Inborn genetic diseases. Identifiers: MedGen C0950123, MeSH D030342.

Submission:

Ambry Genetics
Classification: Uncertain significance for Inborn genetic diseases. Last evaluated: 2024-09-23. Review status: criteria provided, single submitter. Criteria: Ambry Variant Classification Scheme 2023. Collection method: clinical testing. Allele origin: germline.
Comment: The p.D94G variant (also known as c.281A>G), located in coding exon 3 of the MDH2 gene, results from an A to G substitution at nucleotide position 281. The aspartic acid at codon 94 is replaced by glycine, an amino acid with similar properties. This amino acid position is conserved. In addition, the in silico prediction for this alteration is inconclusive. Based on the available evidence, the clinical significance of this variant remains unclear.

NM_005918.4(MDH2):c.281A>G (p.Asp94Gly)

Gene: MDH2 (malate dehydrogenase 2; plus strand). Cytogenetic location: 7q11.23.
Variant type: single nucleotide variant.
Coding change: c.281A>G on transcript NM_005918.4 (MANE Select); coding-DNA position 281, A replaced by G.
Protein change: p.Asp94Gly; replaces aspartic acid 94 with glycine.
Molecular consequence: missense variant. On other transcripts: 5 prime UTR variant (1).
Genome position (GRCh38, 1-based): chr7:76,057,455, A>G. VCF-style: chr7-76057455-A-G. GRCh37 (hg19) VCF-style: chr7-75686773-A-G.
Other names: c.281A>G, p.Asp94Gly (NM_001282403.2); c.-41A>G (NM_001282404.2); short protein forms D94G.
Identifiers: ClinVar variation 3394049 (VCV003394049.1).